The following is an entry in ClinVar:

ClinVar aggregate classification (germline): Pathogenic. Review status: reviewed by expert panel (3 of 4 stars). 16 submissions from 16 submitters: Pathogenic (1). 15 of the submissions do not count toward it. Last evaluated 2023-09-05.

Conditions:
ATM-related cancer predisposition. Also called: ATM-related cancer susceptibility. Identifiers: MedGen CN377759, MONDO:0700270.
ATM-related disorder. Also called: ATM-related disorders; ATM-related condition.
Hereditary cancer-predisposing syndrome. Also called: Neoplastic Syndromes, Hereditary; Hereditary Cancer Syndrome; Tumor predisposition; Hereditary neoplastic syndrome. Identifiers: Orphanet 140162, MedGen C0027672, MeSH D009386, MONDO:0015356.
Ataxia-telangiectasia syndrome (AT). Also called: Cerebello-oculocutaneous telangiectasia; Immunodeficiency with ataxia telangiectasia; Ataxia-telangiectasia, complementation group D; AT, COMPLEMENTATION GROUP C; Ataxia-telangiectasia, complementation group E; Ataxia-telangiectasia. Identifiers: Orphanet 100, MedGen C0004135, MONDO:0008840, OMIM 208900.
Familial cancer of breast. Also called: Hereditary breast cancer; hereditary breast carcinoma; BREAST CANCER, FAMILIAL. Identifiers: Orphanet 227535, MedGen C0346153, MONDO:0016419, OMIM 114480. Disease mechanism: loss of function.

Submissions 1 to 11 of 16:

ClinGen Hereditary Breast, Ovarian and Pancreatic Cancer Variant Curation Expert Panel, ClinGen
Classification: Pathogenic for ATM-related cancer predisposition. Last evaluated: 2023-09-05. Review status: reviewed by expert panel. Criteria: clingen hbop acmg specifications atm v1-1. Collection method: curation. Allele origin: germline. Inheritance: Autosomal dominant inheritance.
Comment: The c.824del (p.Leu275Ter) variant in ATM is a frameshift variant predicted to cause a premature stop codon in a biologically-relevant-exon leading to nonsense mediated decay in a gene in which loss-of-function is an established disease mechanism. This alteration results in a termination codon upstream of the most C-terminal pathogenic alteration (ATM p.Arg3047*), as classified by the HBOP VCEP, and is expected to be more deleterious. This variant has been detected in at least 5 individuals with Ataxia-Telangiectasia (PMID: 26896183, 21792198, 9463314, 9887333). The c.824del (p.Leu275Ter) variant in ATM has a minor allele frequency in gnomAD v2.1.1 of 0.000018 in the non-Finnish European population (PM2_Supporting, BS1, and BA1 are not met). In summary, this variant meets criteria to be classified as pathogenic for autosomal dominant hereditary breast cancer and autosomal recessive Ataxia-Telangiectasia based on the ACMG/AMP criteria applied, as specified by the HBOP VCEP. (PVS1, PM5_Supporting, PM3_VeryStrong)

Natera, Inc.
Classification: Pathogenic for Ataxia-telangiectasia. Last evaluated: 2025-02-21. Review status: criteria provided, single submitter. Criteria: Natera Variant Classification Schema (03/2026). Collection method: clinical testing. Allele origin: germline. Not counted in ClinVar's aggregate classification.
Comment: The c.824delT variant in ATM is a frameshift variant predicted to shift the reading frame and introduce a stop codon. This variant is expected to result in nonsense mediated decay, truncation, or a dysfunctional protein product. This variant is rare in the general population with a frequency below the threshold expected for the associated phenotype(s). This variant has been observed in one or more individuals affected with the associated recessive disease, as either homozygous or compound heterozygous with a second variant (PMID: 9887333). Given the available evidence, this variant is classified as Pathogenic.

Ambry Genetics
Classification: Pathogenic for Hereditary cancer-predisposing syndrome. Last evaluated: 2024-11-25. Review status: criteria provided, single submitter. Criteria: Ambry Variant Classification Scheme 2023. Collection method: clinical testing. Allele origin: germline. Not counted in ClinVar's aggregate classification.
Comment: The c.824delT pathogenic mutation, located in coding exon 6 of the ATM gene, results from a deletion of one nucleotide at nucleotide position 824, causing a translational frameshift with a predicted alternate stop codon (p.L275*). This mutation has been reported in both the homozygous and compound heterozygous states in patients with ataxia telangiectasia (Stankovic T et al. Am. J. Hum. Genet. 1998 Feb;62(2):334-45; Sandoval N et al. Hum. Mol. Genet. 1999 Jan;8(1):69-79), as well as multiple patients with breast cancer (Prodosmo A et al. J. Exp. Clin. Cancer Res., 2016 09;35:135; Coppa A et al. Cancer Med, 2018 01;7:46-55; Dorling et al. N Engl J Med. 2021 02;384:428-439), and an individual with prostate cancer (Wu Y et al. Eur Urol Oncol, 2020 04;3:224-230). Of note, this alteration is also designated as c.822delT in published literature. This variant is considered to be rare based on population cohorts in the Genome Aggregation Database (gnomAD). In addition to the clinical data presented in the literature, this alteration is expected to result in loss of function by premature protein truncation or nonsense-mediated mRNA decay. As such, this alteration is interpreted as a disease-causing mutation.

Blueprint Genetics
Classification: Pathogenic for ATM-related disorders. Last evaluated: 2024-11-19. Review status: criteria provided, single submitter. Criteria: ACMG Guidelines, 2015. Collection method: clinical testing. Allele origin: germline. Affected: yes. Observed: 1 variant allele. Not counted in ClinVar's aggregate classification.

Labcorp Genetics (formerly Invitae), Labcorp
Classification: Pathogenic for Ataxia-telangiectasia syndrome. Last evaluated: 2024-09-16. Review status: criteria provided, single submitter. Criteria: Invitae Variant Classification Sherloc (09022015). Collection method: clinical testing. Allele origin: germline. Not counted in ClinVar's aggregate classification.
Comment: This sequence change creates a premature translational stop signal (p.Leu275*) in the ATM gene. It is expected to result in an absent or disrupted protein product. Loss-of-function variants in ATM are known to be pathogenic (PMID: 23807571, 25614872). This variant is present in population databases (no rsID available, gnomAD 0.002%). This premature translational stop signal has been observed in individual(s) with ataxia-telangiectasia and/or breast cancer (PMID: 9463314, 9887333, 27599564). This variant is also known as 822delT. ClinVar contains an entry for this variant (Variation ID: 220121). For these reasons, this variant has been classified as Pathogenic.

CeGaT Center for Human Genetics Tuebingen
Classification: Pathogenic. Last evaluated: 2024-07-01. Review status: criteria provided, single submitter. Criteria: CeGaT Center For Human Genetics Tuebingen Variant Classification Criteria Version 2. Collection method: clinical testing. Allele origin: germline. Affected: yes. Observed: 2 variant alleles. Not counted in ClinVar's aggregate classification.
Comment: ATM: PM3:Very Strong, PVS1, PM2

Institute for Genomic Medicine (IGM) Clinical Laboratory, Nationwide Children's Hospital
Classification: Pathogenic for ATM-related cancer predisposition. Last evaluated: 2024-04-15. Review status: criteria provided, single submitter. Criteria: ACMG Guidelines, 2015. Collection method: clinical testing. Allele origin: germline. Not counted in ClinVar's aggregate classification.
Comment: This variant is predicted to result in loss of function through nonsense-mediated decay of the encoded transcript or premature truncation of the encoded protein in a gene in which loss of function is a known mechanism of disease (ACMG/AMP: PVS1). This variant has been reported at an elevated frequency in affected individuals/in multiple affected individuals in the literature (ACMG/AMP: PS4_Moderate; PMIDs:27599564, 29271107). This variant is absent from or present at an exceedingly low frequency in gnomAD, a large-scale control population database (ACMG/AMP: PM2). This variant has been observed in trans with a pathogenic variant (ACMG/AMP: PM3; PMIDs:26896183, 21792198, 9463314, 9887333).

Baylor Genetics
Classification: Pathogenic for Familial cancer of breast. Last evaluated: 2024-03-30. Review status: criteria provided, single submitter. Criteria: ACMG Guidelines, 2015. Collection method: clinical testing. Allele origin: unknown. Not counted in ClinVar's aggregate classification.

Fulgent Genetics
Classification: Pathogenic for Familial cancer of breast; Ataxia-telangiectasia syndrome. Last evaluated: 2024-02-14. Review status: criteria provided, single submitter. Criteria: ACMG Guidelines, 2015. Collection method: clinical testing. Allele origin: germline. Not counted in ClinVar's aggregate classification.

Myriad Genetics, Inc.
Classification: Pathogenic for Familial cancer of breast. Last evaluated: 2024-01-11. Review status: criteria provided, single submitter. Criteria: Myriad Autosomal Dominant, Autosomal Recessive and X-Linked Classification Criteria (2023). Collection method: clinical testing. Allele origin: unknown. Not counted in ClinVar's aggregate classification.
Comment: This variant is considered pathogenic. This variant creates a termination codon and is predicted to result in premature protein truncation.

GeneDx
Classification: Pathogenic. Last evaluated: 2023-05-09. Review status: criteria provided, single submitter. Criteria: GeneDx Variant Classification Process June 2021. Collection method: clinical testing. Allele origin: germline. Affected: yes. Not counted in ClinVar's aggregate classification.
Comment: Nonsense variant predicted to result in protein truncation or nonsense mediated decay in a gene for which loss of function is a known mechanism of disease; Identified in individuals with breast cancer and segregated with early-onset disease in at least one family (Prodosmo et al., 2016; Decker et al., 2017; Coppa et al., 2018; Dorling et al., 2021); Not observed at significant frequency in large population cohorts (gnomAD); Truncating variants in this gene are considered pathogenic by a well-established clinical consortium and/or database; Also known as c.822delT; This variant is associated with the following publications: (PMID: 27599564, 29271107, 28779002, 9463314, 31948886, 21792198, 34771661, 29922827, 33471991, 26896183, 9887333)

NM_000051.4(ATM):c.824del (p.Ser274_Leu275insTer)

Gene: ATM (ATM serine/threonine kinase; plus strand). Cytogenetic location: 11q22.3.
Variant type: Deletion.
Coding change: c.824del on transcript NM_000051.4 (MANE Select); coding-DNA position 824, one base deleted (T; older notation c.824delT).
Protein change: p.Ser274_Leu275insTer.
Molecular consequence: nonsense.
Genome position (GRCh38, 1-based): chr11:108,244,949, T deleted; the last of 3 consecutive T bases (chr11:108,244,947-108,244,949); deleting any one gives the same sequence. VCF-style (leftmost placement, unchanged base first): chr11-108244946-CT-C. GRCh37 (hg19) VCF-style: chr11-108115673-CT-C.
Other names: NM_000051.4(ATM):c.824del; p.Ser274_Leu275insTer; c.824delT (NM_000051.3, NM_000051.4); c.824del, p.Ser274_Leu275insTer (NM_001351834.2).
Identifiers: ClinVar variation 220121 (VCV000220121.48), dbSNP rs864622389, ClinGen allele CA349767.